The following is an entry in ClinVar:

ClinVar aggregate classification (germline): Uncertain significance (1 of 4 stars; one submission).

Conditions:
Fabry disease. Also called: Fabry's disease; ALPHA-GALACTOSIDASE A DEFICIENCY; ANDERSON-FABRY DISEASE; CERAMIDE TRIHEXOSIDASE DEFICIENCY; GLA DEFICIENCY; HEREDITARY DYSTOPIC LIPIDOSIS. Identifiers: Orphanet 324, MedGen C0002986, MONDO:0010526, OMIM 301500, HP:0001071. Disease mechanism: Fabry disease is due to inactivating mutations in the X-linked GLA gene resulting in deficiency of the enzyme Alpha Galactosidase-A., loss of function.

Allele frequency attached by ClinVar (database versions not stated): TOPMed below 0.00001.

Submission:

Labcorp Genetics (formerly Invitae), Labcorp
Classification: Uncertain significance for Fabry disease. Last evaluated: 2023-12-01. Review status: criteria provided, single submitter. Criteria: Invitae Variant Classification Sherloc (09022015). Collection method: clinical testing. Allele origin: germline.
Comment: This sequence change replaces glutamic acid, which is acidic and polar, with lysine, which is basic and polar, at codon 103 of the GLA protein (p.Glu103Lys). This variant is not present in population databases (gnomAD no frequency). This variant has not been reported in the literature in individuals affected with GLA-related conditions. Advanced modeling of protein sequence and biophysical properties (such as structural, functional, and spatial information, amino acid conservation, physicochemical variation, residue mobility, and thermodynamic stability) performed at Invitae indicates that this missense variant is not expected to disrupt GLA protein function with a negative predictive value of 80%. In summary, the available evidence is currently insufficient to determine the role of this variant in disease. Therefore, it has been classified as a Variant of Uncertain Significance.

NM_000169.3(GLA):c.307G>A (p.Glu103Lys)

Genes: GLA (galactosidase alpha; minus strand), RPL36A-HNRNPH2 (RPL36A-HNRNPH2 readthrough; plus strand). Cytogenetic location: Xq22.1.
Variant type: single nucleotide variant.
Coding change: c.307G>A on transcript NM_000169.3 (MANE Select); coding-DNA position 307, G replaced by A.
Protein change: p.Glu103Lys; replaces glutamic acid 103 with lysine.
Molecular consequence: missense variant. On other transcripts: non-coding transcript variant (3), intron variant (2).
Genome position (GRCh38, 1-based): chrX:101,403,873, C>T on the plus strand (G>A on the coding strand, the complement: GLA is on the minus strand). VCF-style: chrX-101403873-C-T. GRCh37 (hg19) VCF-style: chrX-100658861-C-T.
Other names: c.430G>A, p.Glu144Lys (NM_001406747.1, NM_001406749.1); c.307G>A, p.Glu103Lys (NM_001406748.1); c.301-8063C>T (NM_001199973.2); c.178-8063C>T (NM_001199974.2); short protein forms E103K, E144K.
Identifiers: ClinVar variation 2900810 (VCV002900810.3), dbSNP rs1569304851, ClinGen allele CA413933422.